The following is an entry in ClinVar:

NM_201253.3(CRB1):c.1910C>T (p.Pro637Leu)

Gene: CRB1 (crumbs cell polarity complex component 1; plus strand). Cytogenetic location: 1q31.3.
Variant type: single nucleotide variant.
Coding change: c.1910C>T on transcript NM_201253.3 (MANE Select); coding-DNA position 1910, C replaced by T.
Protein change: p.Pro637Leu; replaces proline 637 with leucine.
Molecular consequence: missense variant. On other transcripts: non-coding transcript variant (1).
Genome position (GRCh38, 1-based): chr1:197,421,738, C>T. VCF-style: chr1-197421738-C-T. GRCh37 (hg19) VCF-style: chr1-197390868-C-T.
Other names: c.1574C>T, p.Pro525Leu (NM_001193640.2); c.1703C>T, p.Pro568Leu (NM_001257965.2); c.1910C>T, p.Pro637Leu (NM_001257966.2); short protein forms P525L, P568L, P637L.
Identifiers: ClinVar variation 1022330 (VCV001022330.12), dbSNP rs1238001290, ClinGen allele CA344032886.

ClinVar aggregate classification (germline): Conflicting classifications of pathogenicity. Review status: criteria provided, conflicting classifications (1 of 4 stars). 5 submissions from 3 submitters: Likely pathogenic (1); Uncertain significance (4). Last evaluated 2026-01-05.

Conditions:
Leber congenital amaurosis 8 (LCA8). Identifiers: Orphanet 65, MedGen C3151202, MONDO:0013453, OMIM 613835.
Pigmented paravenous retinochoroidal atrophy. Identifiers: Orphanet 251295, MedGen C1868310, MONDO:0008246, OMIM 172870.
Retinitis pigmentosa 12 (RP12). Also called: RP WITH OR WITHOUT PRESERVED PARAARTERIOLE RETINAL PIGMENT EPITHELIUM; RETINITIS PIGMENTOSA WITH OR WITHOUT PARAARTERIOLAR PRESERVATION OF RETINAL PIGMENT EPITHELIUM; RP WITH OR WITHOUT PPRPE. Identifiers: Orphanet 791, MedGen C1838647, MONDO:0010818, OMIM 600105.

Allele frequency attached by ClinVar (database versions not stated): TOPMed 0.00001.

Submissions (5):

Labcorp Genetics (formerly Invitae), Labcorp
Classification: Likely pathogenic for Leber congenital amaurosis 8; Retinitis pigmentosa 12. Last evaluated: 2026-01-05. Review status: criteria provided, single submitter. Criteria: Invitae Variant Classification Sherloc (09022015). Collection method: clinical testing. Allele origin: germline.
Comment: This sequence change replaces proline, which is neutral and non-polar, with leucine, which is neutral and non-polar, at codon 637 of the CRB1 protein (p.Pro637Leu). This variant is not present in population databases (gnomAD no frequency). This missense change has been observed in individuals with CRB1-related conditions (PMID: 35119454; internal data). ClinVar contains an entry for this variant (Variation ID: 1022330). Invitae Evidence Modeling of protein sequence and biophysical properties (such as structural, functional, and spatial information, amino acid conservation, physicochemical variation, residue mobility, and thermodynamic stability) indicates that this missense variant is expected to disrupt CRB1 protein function with a positive predictive value of 80%. Algorithms developed to predict the effect of sequence changes on RNA splicing suggest that this variant may create or strengthen a splice site. In summary, the currently available evidence indicates that the variant is pathogenic, but additional data are needed to prove that conclusively. Therefore, this variant has been classified as Likely Pathogenic.

GeneDx
Classification: Uncertain significance. Last evaluated: 2023-12-04. Review status: criteria provided, single submitter. Criteria: GeneDx Variant Classification Process June 2021. Collection method: clinical testing. Allele origin: germline. Affected: yes.
Comment: Not observed at significant frequency in large population cohorts (gnomAD); In silico analysis supports that this missense variant has a deleterious effect on protein structure/function; This variant is associated with the following publications: (PMID: 35119454)

Genome-Nilou Lab
Classification: Uncertain significance for Leber congenital amaurosis 8. Last evaluated: 2023-04-11. Review status: criteria provided, single submitter. Criteria: ACMG Guidelines, 2015. Collection method: clinical testing. Allele origin: germline. Affected: no.

Genome-Nilou Lab
Classification: Uncertain significance for Pigmented paravenous retinochoroidal atrophy. Last evaluated: 2023-04-11. Review status: criteria provided, single submitter. Criteria: ACMG Guidelines, 2015. Collection method: clinical testing. Allele origin: germline. Affected: no.

Genome-Nilou Lab
Classification: Uncertain significance for Retinitis pigmentosa 12. Last evaluated: 2023-04-11. Review status: criteria provided, single submitter. Criteria: ACMG Guidelines, 2015. Collection method: clinical testing. Allele origin: germline. Affected: no.

Literature cited by the submitters: PubMed 35119454 (cited by Labcorp Genetics (formerly Invitae), Labcorp).